The following is an entry in ClinVar:

ClinVar aggregate classification (germline): Uncertain significance (1 of 4 stars; one submission).

Conditions:
Aldosterone-producing adenoma with seizures and neurological abnormalities. Also called: Primary aldosteronism, seizures, and neurologic abnormalities. Identifiers: Orphanet 369929, MedGen C3809609, MONDO:0014200, OMIM 615474.

Submission:

Centre for Mendelian Genomics, University Medical Centre Ljubljana
Classification: Uncertain significance for Aldosterone-producing adenoma with seizures and neurological abnormalities. Last evaluated: 2020-01-29. Review status: criteria provided, single submitter. Criteria: ACMG Guidelines, 2015. Collection method: clinical testing. Allele origin: unknown. Affected: yes.
Comment: This variant was classified as: Uncertain significance. The available evidence on this variant's pathogenicity is insufficient or conflicting. The following ACMG criteria were applied in classifying this variant: PM2,BP4.

NM_001128840.3(CACNA1D):c.5906C>A (p.Ala1969Asp)

Gene: CACNA1D (calcium voltage-gated channel subunit alpha1 D; plus strand). Cytogenetic location: 3p21.1.
Variant type: single nucleotide variant.
Coding change: c.5906C>A on transcript NM_001128840.3 (MANE Select); coding-DNA position 5906, C replaced by A.
Protein change: p.Ala1969Asp; replaces alanine 1969 with aspartic acid.
Molecular consequence: missense variant.
Genome position (GRCh38, 1-based): chr3:53,810,012, C>A. VCF-style: chr3-53810012-C-A. GRCh37 (hg19) VCF-style: chr3-53844039-C-A.
Other names: c.5966C>A, p.Ala1989Asp (NM_000720.4); c.5834C>A, p.Ala1945Asp (NM_001128839.3); short protein forms A1969D, A1945D, A1989D.
Identifiers: ClinVar variation 931864 (VCV000931864.3), dbSNP rs2095587946, ClinGen allele CA353257755.